The following is an entry in ClinVar:

NM_001371596.2(MFSD8):c.*427G>C

Gene: MFSD8 (major facilitator superfamily domain containing 8; minus strand). Cytogenetic location: 4q28.2.
Variant type: single nucleotide variant.
Coding change: c.*427G>C on transcript NM_001371596.2 (MANE Select); 427 bases downstream of the stop codon, G replaced by C.
Molecular consequence: 3 prime UTR variant.
Genome position (GRCh38, 1-based): chr4:127,920,203, C>G on the plus strand (G>C on the coding strand, the complement: MFSD8 is on the minus strand). VCF-style: chr4-127920203-C-G. GRCh37 (hg19) VCF-style: chr4-128841358-C-G.
Other names: c.*427G>C (NM_001363520.3, NM_001363521.3, NM_001371590.2 and 7 more transcripts); c.*1556G>C (NM_001410766.1).
Identifiers: ClinVar variation 902742 (VCV000902742.6), dbSNP rs142139835, ClinGen allele CA105669395.

ClinVar aggregate classification (germline): Benign (1 of 4 stars; one submission).

Conditions:
Neuronal ceroid lipofuscinosis 7 (CLN7). Also called: MFSD8-Related Neuronal Ceroid-Lipofuscinosis. Identifiers: Orphanet 168491, Orphanet 228366, MedGen C1838571, MONDO:0012588, OMIM 610951.

Allele frequency attached by ClinVar (database versions not stated): gnomAD 0.00226 and 0.00241; 1000 Genomes Project 0.00419; TOPMed 0.00439; 1000 Genomes Project 30x 0.00515; gnomAD exomes 0.00597.
gnomAD v4.1: 402 of 158,626 alleles (0.25%); highest among the groups gnomAD compares: Admixed American, 1.9%; 4 homozygotes.

Submission:

Illumina Laboratory Services, Illumina
Classification: Benign for Neuronal ceroid lipofuscinosis 7. Last evaluated: 2018-01-12. Review status: criteria provided, single submitter. Criteria: ICSL Variant Classification Criteria 13 December 2019. Collection method: clinical testing. Allele origin: germline.
Comment: This variant was observed in the ICSL laboratory as part of a predisposition screen in an ostensibly healthy population. It had not been previously curated by ICSL or reported in the Human Gene Mutation Database (HGMD: prior to June 1st, 2018), and was therefore a candidate for classification through an automated scoring system. Utilizing variant allele frequency, disease prevalence and penetrance estimates, and inheritance mode, an automated score was calculated to assess if this variant is too frequent to cause the disease. Based on the score and internal cut-off values, a variant classified as benign is not then subjected to further curation. The score for this variant resulted in a classification of benign for this disease.